The following is an entry in ClinVar:

ClinVar aggregate classification (germline): Benign (0 of 4 stars; one submission).

Conditions:
IQGAP3-related disorder. Also called: IQGAP3-related condition.

Allele frequency attached by ClinVar (database versions not stated): gnomAD 0.03273; TOPMed 0.03278; ESP Exome Variant Server 0.03298; 1000 Genomes Project 30x 0.03451; ExAC 0.03526; 1000 Genomes Project 0.03714.
gnomAD v4.1: 51,776 of 1,613,938 alleles (3.2%); highest among the groups gnomAD compares: South Asian, 7.1%; 984 homozygotes.

Submission:

PreventionGenetics, part of Exact Sciences
Classification: Benign for IQGAP3-related condition. Last evaluated: 2019-06-24. Review status: no assertion criteria provided. Collection method: clinical testing. Allele origin: germline.
Comment: This variant is classified as benign based on ACMG/AMP sequence variant interpretation guidelines (Richards et al. 2015 PMID: 25741868, with internal and published modifications).

NM_178229.5(IQGAP3):c.4005G>A (p.Thr1335=)

Gene: IQGAP3 (IQ motif containing GTPase activating protein 3; minus strand). Cytogenetic location: 1q22.
Variant type: single nucleotide variant.
Coding change: c.4005G>A on transcript NM_178229.5 (MANE Select); coding-DNA position 4005, G replaced by A.
Protein change: p.Thr1335=; no amino-acid change (threonine 1335 retained).
Molecular consequence: synonymous variant.
Genome position (GRCh38, 1-based): chr1:156,533,078, C>T on the plus strand (G>A on the coding strand, the complement: IQGAP3 is on the minus strand). VCF-style: chr1-156533078-C-T. GRCh37 (hg19) VCF-style: chr1-156502870-C-T.
Identifiers: ClinVar variation 3055445 (VCV003055445.2), dbSNP rs4661044, ClinGen allele CA1160834.